The following is an entry in ClinVar:

ClinVar aggregate classification (germline): Uncertain significance (1 of 4 stars; one submission).

Allele frequency attached by ClinVar (database versions not stated): gnomAD 0.00001; gnomAD exomes 0.00001; TOPMed 0.00001.
gnomAD v4.1: 13 of 1,613,670 alleles (0.00081%); highest among the groups gnomAD compares: Non-Finnish European, 0.0011%; no homozygotes.

Submission:

Ambry Genetics
Classification: Uncertain significance. Last evaluated: 2025-08-03. Review status: criteria provided, single submitter. Criteria: Ambry Variant Classification Scheme 2023. Collection method: clinical testing. Allele origin: germline.
Comment: The p.A335T variant (also known as c.1003G>A), located in coding exon 9 of the FAM175A gene, results from a G to A substitution at nucleotide position 1003. The alanine at codon 335 is replaced by threonine, an amino acid with similar properties. This amino acid position is conserved. In addition, this alteration is predicted to be tolerated by in silico analysis. Since supporting evidence is limited at this time, the clinical significance of this alteration remains unclear.

NM_139076.3(ABRAXAS1):c.1003G>A (p.Ala335Thr)

Gene: ABRAXAS1 (abraxas 1, BRCA1 A complex subunit; minus strand). Cytogenetic location: 4q21.23.
Variant type: single nucleotide variant.
Coding change: c.1003G>A on transcript NM_139076.3 (MANE Select); coding-DNA position 1003, G replaced by A.
Protein change: p.Ala335Thr; replaces alanine 335 with threonine.
Molecular consequence: missense variant.
Genome position (GRCh38, 1-based): chr4:83,462,696, C>T on the plus strand (G>A on the coding strand, the complement: ABRAXAS1 is on the minus strand). VCF-style: chr4-83462696-C-T. GRCh37 (hg19) VCF-style: chr4-84383849-C-T.
Other names: c.676G>A, p.Ala226Thr (NM_001345962.2); short protein forms A226T, A335T.
Identifiers: ClinVar variation 2624487 (VCV002624487.3), dbSNP rs1320782237, ClinGen allele CA357255543.